The following is an entry in ClinVar:

NM_201253.3(CRB1):c.407G>T (p.Cys136Phe)

Gene: CRB1 (crumbs cell polarity complex component 1; plus strand). Cytogenetic location: 1q31.3.
Variant type: single nucleotide variant.
Coding change: c.407G>T on transcript NM_201253.3 (MANE Select); coding-DNA position 407, G replaced by T.
Protein change: p.Cys136Phe; replaces cysteine 136 with phenylalanine.
Molecular consequence: missense variant. On other transcripts: non-coding transcript variant (2).
Genome position (GRCh38, 1-based): chr1:197,328,758, G>T. VCF-style: chr1-197328758-G-T. GRCh37 (hg19) VCF-style: chr1-197297888-G-T.
Other names: c.407G>T, p.Cys136Phe (NM_001193640.2, NM_001257966.2); c.200G>T, p.Cys67Phe (NM_001257965.2); short protein forms C136F, C67F.
Identifiers: ClinVar variation 1040279 (VCV001040279.8), dbSNP rs752559648, ClinGen allele CA344085703.
Genomic context (GRCh38, chr1:197,328,758, plus strand): 5'-AGAACTCCTGCCAACATGGAGGTATTTGCCATCAGGACCCTATTTATCCTGTCTGCATCT[G>T]CCCTGCTGGATATGCTGGAAGATTCTGTGAGATAGATCACGATGAGTGTGCTTCCAGCCC-3'
Protein context (NP_957705.1, residues 126-146): HQDPIYPVCI[Cys136Phe]PAGYAGRFCE

ClinVar aggregate classification (germline): Uncertain significance (1 of 4 stars; one submission).

Conditions:
Leber congenital amaurosis 8 (LCA8). Identifiers: Orphanet 65, MedGen C3151202, MONDO:0013453, OMIM 613835.
Retinitis pigmentosa 12 (RP12). Also called: RP WITH OR WITHOUT PRESERVED PARAARTERIOLE RETINAL PIGMENT EPITHELIUM; RETINITIS PIGMENTOSA WITH OR WITHOUT PARAARTERIOLAR PRESERVATION OF RETINAL PIGMENT EPITHELIUM; RP WITH OR WITHOUT PPRPE. Identifiers: Orphanet 791, MedGen C1838647, MONDO:0010818, OMIM 600105.

Submission:

Labcorp Genetics (formerly Invitae), Labcorp
Classification: Uncertain significance for Leber congenital amaurosis 8; Retinitis pigmentosa 12. Last evaluated: 2022-01-06. Review status: criteria provided, single submitter. Criteria: Invitae Variant Classification Sherloc (09022015). Collection method: clinical testing. Allele origin: germline.
Comment: In summary, the available evidence is currently insufficient to determine the role of this variant in disease. Therefore, it has been classified as a Variant of Uncertain Significance. This variant disrupts the p.Cys136 amino acid residue in CRB1. Other variant(s) that disrupt this residue have been observed in individuals with CRB1-related conditions (PMID: 26766544), which suggests that this may be a clinically significant amino acid residue. Advanced modeling of protein sequence and biophysical properties (such as structural, functional, and spatial information, amino acid conservation, physicochemical variation, residue mobility, and thermodynamic stability) performed at Invitae indicates that this missense variant is expected to disrupt CRB1 protein function. ClinVar contains an entry for this variant (Variation ID: 1040279). This missense change has been observed in individual(s) with clinical features of CRB1-related conditions (Invitae). This variant is not present in population databases (gnomAD no frequency). This sequence change replaces cysteine, which is neutral and slightly polar, with phenylalanine, which is neutral and non-polar, at codon 136 of the CRB1 protein (p.Cys136Phe).

Literature cited by the submitters: PubMed 26766544.